The following is an entry in ClinVar:

ClinVar aggregate classification (germline): Uncertain significance (1 of 4 stars; one submission).

Conditions:
ALG6-congenital disorder of glycosylation 1C (CDG1C). Also called: CDG Ic; CARBOHYDRATE-DEFICIENT GLYCOPROTEIN SYNDROME, TYPE I, WITH DEFICIENT GLYCOSYLATION OF DOLICHOL-LINKED OLIGOSACCHARIDE; CARBOHYDRATE-DEFICIENT GLYCOPROTEIN SYNDROME, TYPE V; Congenital disorder of glycosylation, type Ic; Congenital disorder of glycosylation type 1C. Identifiers: Orphanet 79320, MedGen C2930997, MONDO:0011291, OMIM 603147.

gnomAD v4.1: 13 of 1,613,800 alleles (0.00081%); highest among the groups gnomAD compares: East Asian, 0.029%; no homozygotes.

Submission:

Labcorp Genetics (formerly Invitae), Labcorp
Classification: Uncertain significance for ALG6-congenital disorder of glycosylation 1C. Last evaluated: 2022-08-23. Review status: criteria provided, single submitter. Criteria: Invitae Variant Classification Sherloc (09022015). Collection method: clinical testing. Allele origin: germline.
Comment: This variant is not present in population databases (gnomAD no frequency). This sequence change replaces valine, which is neutral and non-polar, with leucine, which is neutral and non-polar, at codon 472 of the ALG6 protein (p.Val472Leu). This variant has not been reported in the literature in individuals affected with ALG6-related conditions. In summary, the available evidence is currently insufficient to determine the role of this variant in disease. Therefore, it has been classified as a Variant of Uncertain Significance. Algorithms developed to predict the effect of missense changes on protein structure and function output the following: SIFT: "Tolerated"; PolyPhen-2: "Benign"; Align-GVGD: "Class C0". The leucine amino acid residue is found in multiple mammalian species, which suggests that this missense change does not adversely affect protein function. ClinVar contains an entry for this variant (Variation ID: 1434077).

NM_013339.4(ALG6):c.1414G>C (p.Val472Leu)

Gene: ALG6 (ALG6 alpha-1,3-glucosyltransferase; plus strand). Cytogenetic location: 1p31.3.
Variant type: single nucleotide variant.
Coding change: c.1414G>C on transcript NM_013339.4 (MANE Select); coding-DNA position 1414, G replaced by C.
Protein change: p.Val472Leu; replaces valine 472 with leucine.
Molecular consequence: missense variant.
Genome position (GRCh38, 1-based): chr1:63,436,910, G>C. VCF-style: chr1-63436910-G-C. GRCh37 (hg19) VCF-style: chr1-63902581-G-C.
Other names: short protein forms V472L.
Identifiers: ClinVar variation 1434077 (VCV001434077.6), dbSNP rs1644682228, ClinGen allele CA340641769.
Genomic context (GRCh38, chr1:63,436,910, plus strand): 5'-CTTCTGACGTTGATGACTGTCACACTGGATCCTCCTCAGAAACTACCGGACTTGTTTTCT[G>C]TATTGGTGTGTTTTGTATCTTGCTTGAACTTCCTGTTCTTCTTGGTATACTTTAACATTA-3'
Protein context (NP_037471.2, residues 462-482): PPQKLPDLFS[Val472Leu]LVCFVSCLNF